The following is an entry in ClinVar:

NM_014423.4(AFF4):c.1265A>G (p.Asp422Gly)

Gene: AFF4 (ALF transcription elongation factor 4; minus strand). Cytogenetic location: 5q31.1.
Variant type: single nucleotide variant.
Coding change: c.1265A>G on transcript NM_014423.4 (MANE Select); coding-DNA position 1265, A replaced by G.
Protein change: p.Asp422Gly; replaces aspartic acid 422 with glycine.
Molecular consequence: missense variant.
Genome position (GRCh38, 1-based): chr5:132,898,354, T>C on the plus strand (A>G on the coding strand, the complement: AFF4 is on the minus strand). VCF-style: chr5-132898354-T-C. GRCh37 (hg19) VCF-style: chr5-132234046-T-C.
Other names: short protein forms D422G.
Identifiers: ClinVar variation 2630277 (VCV002630277.1), dbSNP rs1313597311, ClinGen allele CA360941883.

ClinVar aggregate classification (germline): Uncertain significance (1 of 4 stars; one submission).

Conditions:
AFF4-related disorder. Also called: AFF4-related condition.

Allele frequency attached by ClinVar (database versions not stated): gnomAD exomes below 0.00001; TOPMed below 0.00001; gnomAD 0.00001.
gnomAD v4.1: 2 of 1,614,148 alleles (0.00012%); highest among the groups gnomAD compares: African/African-American, 0.0013%; no homozygotes.

Submission:

PreventionGenetics, part of Exact Sciences
Classification: Uncertain significance for AFF4-related condition. Last evaluated: 2023-04-26. Review status: criteria provided, single submitter. Criteria: ACMG Guidelines, 2015. Collection method: clinical testing. Allele origin: germline.
Comment: The AFF4 c.1265A>G variant is predicted to result in the amino acid substitution p.Asp422Gly. To our knowledge, this variant has not been reported in the literature. This variant is reported in 0.011% of alleles in individuals of African descent in gnomAD. At this time, the clinical significance of this variant is uncertain due to the absence of conclusive functional and genetic evidence.